The following is an entry in ClinVar:

NM_000219.6(KCNE1):c.259T>G (p.Trp87Gly)

Gene: KCNE1 (potassium voltage-gated channel subfamily E regulatory subunit 1; minus strand). Cytogenetic location: 21q22.12.
Variant type: single nucleotide variant.
Coding change: c.259T>G on transcript NM_000219.6 (MANE Select); coding-DNA position 259, T replaced by G.
Protein change: p.Trp87Gly; replaces tryptophan 87 with glycine.
Molecular consequence: missense variant.
Genome position (GRCh38, 1-based): chr21:34,449,376, A>C on the plus strand (T>G on the coding strand, the complement: KCNE1 is on the minus strand). VCF-style: chr21-34449376-A-C. GRCh37 (hg19) VCF-style: chr21-35821674-A-C.
Other names: c.259T>G, p.Trp87Gly (NM_001127668.4, NM_001127669.4, NM_001127670.4 and 4 more transcripts); short protein forms W87G.
Identifiers: ClinVar variation 3374464 (VCV003374464.2).

Conditions:
Long QT syndrome 5 (LQT5). Identifiers: Orphanet 101016, Orphanet 768, MedGen C1867904, MONDO:0013372, OMIM 613695.

Submission:

Roden Lab, Vanderbilt University Medical Center
No classification provided (evidence only). Condition: Long QT syndrome 5. Review status: no classification provided. Collection method: in vitro. Allele origin: not applicable. Functional consequence: Effect on ion channel function.
ClinVar note: "not provided" was previously submitted as the classification for the variant. However, the classification appeared to be based only on an observation of functional data so it was converted to no classification on 2025-07-30.